The following is an entry in ClinVar:

NM_000186.4(CFH):c.1390C>T (p.Gln464Ter)

Gene: CFH (complement factor H; plus strand). Cytogenetic location: 1q31.3.
Variant type: single nucleotide variant.
Coding change: c.1390C>T on transcript NM_000186.4 (MANE Select); coding-DNA position 1390, C replaced by T.
Protein change: p.Gln464Ter; replaces glutamine 464 with a stop codon.
Molecular consequence: nonsense.
Genome position (GRCh38, 1-based): chr1:196,713,788, C>T. VCF-style: chr1-196713788-C-T. GRCh37 (hg19) VCF-style: chr1-196682918-C-T.
Other names: short protein forms Q464*.
Identifiers: ClinVar variation 2847460 (VCV002847460.3), dbSNP rs2529467049, ClinGen allele CA343981764.
Genomic context (GRCh38, chr1:196,713,788, plus strand): 5'-CTTTTAGAAACATGTTCCAAATCAAGTATAGATATTGAGAATGGGTTTATTTCTGAATCT[C>T]AGTATACATATGCCTTAAAAGAAAAAGCGAAATATCAATGCAAACTAGGATATGTAACAG-3'

ClinVar aggregate classification (germline): Pathogenic (1 of 4 stars; one submission).

Submission:

Labcorp Genetics (formerly Invitae), Labcorp
Classification: Pathogenic. Last evaluated: 2023-03-19. Review status: criteria provided, single submitter. Criteria: Invitae Variant Classification Sherloc (09022015). Collection method: clinical testing. Allele origin: germline.
Comment: For these reasons, this variant has been classified as Pathogenic. This variant has not been reported in the literature in individuals affected with CFH-related conditions. This variant is not present in population databases (gnomAD no frequency). This sequence change creates a premature translational stop signal (p.Gln464*) in the CFH gene. It is expected to result in an absent or disrupted protein product. Loss-of-function variants in CFH are known to be pathogenic (PMID: 11170896, 14978182, 16621965, 23870792, 25188723).

Literature cited by the submitters: PubMed 11170896; PubMed 14978182; PubMed 16621965; PubMed 23870792; PubMed 25188723.